The following is an entry in ClinVar:

NM_000035.4(ALDOB):c.800-2A>C

Gene: ALDOB (aldolase, fructose-bisphosphate B; minus strand). Cytogenetic location: 9q31.1.
Variant type: single nucleotide variant.
Coding change: c.800-2A>C on transcript NM_000035.4 (MANE Select); the canonical splice acceptor site of the intron before coding-DNA position 800, A replaced by C.
Molecular consequence: splice acceptor variant.
Genome position (GRCh38, 1-based): chr9:101,425,044, T>G on the plus strand (A>C on the coding strand, the complement: ALDOB is on the minus strand). VCF-style: chr9-101425044-T-G. GRCh37 (hg19) VCF-style: chr9-104187326-T-G.
Identifiers: ClinVar variation 432193 (VCV000432193.13), dbSNP rs199965465, ClinGen allele CA5161455.
Genomic context (GRCh38, chr9:101,425,044, plus strand): 5'-AGCATTGAGGTTGAGAGTGGCATCCTCTTCACTCATGCCACCAGACAAAAAGCAGATGCC[T>G]GGTAGGAGAGAAGCCATTTCACTCTATTAGTCCCACCTTATATACCCTGCTTGAGAAAGC-3'

ClinVar aggregate classification (germline): Likely pathogenic. Review status: criteria provided, multiple submitters, no conflicts (2 of 4 stars). 5 submissions from 5 submitters: Likely pathogenic (3). 2 of the submissions do not count toward it. Last evaluated 2023-10-17.

Conditions:
Hereditary fructosuria. Also called: ALDOB DEFICIENCY; ALDOLASE B DEFICIENCY; FRUCTOSE-1,6-BISPHOSPHATE ALDOLASE B DEFICIENCY; FRUCTOSE-1-PHOSPHATE ALDOLASE DEFICIENCY; FRUCTOSEMIA; Hereditary fructose intolerance. Identifiers: Orphanet 469, MedGen C0016751, MONDO:0009249, OMIM 229600, HP:0005973. Disease mechanism: loss of function.

Allele frequency attached by ClinVar (database versions not stated): ExAC 0.00001; gnomAD 0.00001; gnomAD exomes 0.00001 and 0.00002; 1000 Genomes Project 30x 0.00016; 1000 Genomes Project 0.00020.
gnomAD v4.1: 16 of 1,614,172 alleles (0.00099%); highest among the groups gnomAD compares: Non-Finnish European, 0.0014%; no homozygotes.

Submissions (5):

Baylor Genetics
Classification: Likely pathogenic for Hereditary fructosuria. Last evaluated: 2023-10-17. Review status: criteria provided, single submitter. Criteria: ACMG Guidelines, 2015. Collection method: clinical testing. Allele origin: unknown.

Labcorp Genetics (formerly Invitae), Labcorp
Classification: Likely pathogenic for Hereditary fructosuria. Last evaluated: 2022-03-28. Review status: criteria provided, single submitter. Criteria: Invitae Variant Classification Sherloc (09022015). Collection method: clinical testing. Allele origin: germline.
Comment: In summary, the currently available evidence indicates that the variant is pathogenic, but additional data are needed to prove that conclusively. Therefore, this variant has been classified as Likely Pathogenic. Algorithms developed to predict the effect of sequence changes on RNA splicing suggest that this variant may disrupt the consensus splice site. ClinVar contains an entry for this variant (Variation ID: 432193). This variant has not been reported in the literature in individuals affected with ALDOB-related conditions. This variant is present in population databases (rs199965465, gnomAD 0.004%). This sequence change affects an acceptor splice site in intron 7 of the ALDOB gene. It is expected to disrupt RNA splicing. Variants that disrupt the donor or acceptor splice site typically lead to a loss of protein function (PMID: 16199547), and loss-of-function variants in ALDOB are known to be pathogenic (PMID: 18541450).

GeneDx
Classification: Likely pathogenic. Last evaluated: 2016-07-07. Review status: criteria provided, single submitter. Criteria: GeneDx Variant Classification (06012015). Collection method: clinical testing. Allele origin: germline. Affected: yes.
Comment: The c.800-2 A>C splice site variant in the ALDOB gene destroys the canonical splice acceptor site in intron 7. It is predicted to cause abnormal gene splicing, either leading to an abnormal message that is subject to nonsense-mediated mRNA decay, or to an abnormal protein product if the message is used for protein translation. Although this variant has not been previously reported to our knowledge, it is likely to be a pathogenic variant.

Natera, Inc.
Classification: Likely pathogenic for Fructose intolerance. Last evaluated: 2020-07-19. Review status: no assertion criteria provided. Collection method: clinical testing. Allele origin: germline. Not counted in ClinVar's aggregate classification.

Counsyl
Classification: Likely pathogenic for Hereditary fructosuria. Last evaluated: 2017-05-12. Review status: no assertion criteria provided. Collection method: clinical testing. Allele origin: unknown. Not counted in ClinVar's aggregate classification.

Literature cited by the submitters: PubMed 16199547 (cited by Labcorp Genetics (formerly Invitae), Labcorp); PubMed 18541450 (cited by Labcorp Genetics (formerly Invitae), Labcorp).